The following is an entry in ClinVar:

ClinVar aggregate classification (germline): Uncertain significance. Review status: criteria provided, multiple submitters, no conflicts (2 of 4 stars). 2 submissions from 2 submitters: Uncertain significance (2). Last evaluated 2024-07-14.

Conditions:
Hereditary cancer-predisposing syndrome. Also called: Neoplastic Syndromes, Hereditary; Tumor predisposition; Hereditary Cancer Syndrome; Hereditary neoplastic syndrome. Identifiers: Orphanet 140162, MedGen C0027672, MeSH D009386, MONDO:0015356.
Familial meningioma. Also called: Meningioma, familial, susceptibility to. Identifiers: Orphanet 263662, MedGen C3551915, MONDO:0011789, OMIM 607174.

Submissions (2):

Ambry Genetics
Classification: Uncertain significance for Hereditary cancer-predisposing syndrome. Last evaluated: 2024-07-14. Review status: criteria provided, single submitter. Criteria: Ambry Variant Classification Scheme 2023. Collection method: clinical testing. Allele origin: germline.
Comment: The p.S12T variant (also known as c.35G>C), located in coding exon 1 of the NF2 gene, results from a G to C substitution at nucleotide position 35. The serine at codon 12 is replaced by threonine, an amino acid with similar properties. This amino acid position is conserved. In addition, this alteration is predicted to be tolerated by in silico analysis. Based on the available evidence, the clinical significance of this variant remains unclear.

Baylor Genetics
Classification: Uncertain significance for Familial meningioma. Last evaluated: 2023-07-21. Review status: criteria provided, single submitter. Criteria: ACMG Guidelines, 2015. Collection method: clinical testing. Allele origin: unknown.

NM_000268.4(NF2):c.35G>C (p.Ser12Thr)

Gene: NF2 (NF2, moesin-ezrin-radixin like (MERLIN) tumor suppressor; plus strand). Cytogenetic location: 22q12.2.
Variant type: single nucleotide variant.
Coding change: c.35G>C on transcript NM_000268.4 (MANE Select); coding-DNA position 35, G replaced by C.
Protein change: p.Ser12Thr; replaces serine 12 with threonine.
Molecular consequence: missense variant. On other transcripts: 5 prime UTR variant (4), non-coding transcript variant (1).
Genome position (GRCh38, 1-based): chr22:29,604,033, G>C. VCF-style: chr22-29604033-G-C. GRCh37 (hg19) VCF-style: chr22-30000022-G-C.
Other names: c.-196G>C (NM_001407053.1, NM_001407056.1); c.35G>C, p.Ser12Thr (NM_001407054.1, NM_001407055.1, NM_001407057.1 and 15 more transcripts); c.-606G>C (NM_001407065.1); c.-222G>C (NM_001407067.1); short protein forms S12T.
Identifiers: ClinVar variation 2677250 (VCV002677250.2), dbSNP rs2518226400, ClinGen allele CA411145875.